The following is an entry in ClinVar:

ClinVar aggregate classification (germline): Uncertain significance (1 of 4 stars; one submission).

gnomAD v4.1: 25 of 1,613,742 alleles (0.0015%); highest among the groups gnomAD compares: African/African-American, 0.008%; no homozygotes.

Submission:

GeneDx
Classification: Uncertain significance. Last evaluated: 2024-12-16. Review status: criteria provided, single submitter. Criteria: GeneDx Variant Classification Process June 2021. Collection method: clinical testing. Allele origin: germline. Affected: yes.
Comment: In silico analysis indicates that this missense variant does not alter protein structure/function; Has not been previously published as pathogenic or benign to our knowledge

NM_003366.4(UQCRC2):c.514C>T (p.His172Tyr)

Genes: PDZD9 (PDZ domain containing 9), UQCRC2 (ubiquinol-cytochrome c reductase core protein 2). Cytogenetic location: 16p12.2.
Variant type: single nucleotide variant.
Coding change: c.514C>T on transcript NM_003366.4 (MANE Select); coding-DNA position 514, C replaced by T.
Protein change: p.His172Tyr; replaces histidine 172 with tyrosine.
Molecular consequence: missense variant.
Genome position (GRCh38, 1-based): chr16:21,962,885, C>T. VCF-style: chr16-21962885-C-T. GRCh37 (hg19) VCF-style: chr16-21974206-C-T.
Other names: short protein forms H172Y.
Identifiers: ClinVar variation 3903073 (VCV003903073.1).
Genomic context (GRCh38, chr16:21,962,885, plus strand): 5'-GCTGACCTTCAGCCTCAGCTAAAGATTGACAAAGCTGTGGCCTTTCAGAATCCGCAGACT[C>T]GTAAGTACATTTCCAGATCACATTTGATTCTAAGATACTGGGTTTTTTAGAAGATCAATT-3'
Protein context (NP_003357.2, residues 162-182): KAVAFQNPQT[His172Tyr]VIENLHAAAY